The following is an entry in ClinVar:

ClinVar aggregate classification (germline): Uncertain significance (1 of 4 stars; one submission).

Conditions:
Joubert syndrome 22 (JBTS22). Identifiers: Orphanet 2754, MedGen C3810278, MONDO:0014297, OMIM 615665.

Allele frequency attached by ClinVar (database versions not stated): ExAC 0.00001.
gnomAD v4.1: 4 of 1,613,516 alleles (0.00025%); highest among the groups gnomAD compares: East Asian, 0.0022%; no homozygotes.

Submission:

Labcorp Genetics (formerly Invitae), Labcorp
Classification: Uncertain significance for Joubert syndrome 22. Last evaluated: 2022-01-13. Review status: criteria provided, single submitter. Criteria: Invitae Variant Classification Sherloc (09022015). Collection method: clinical testing. Allele origin: germline.
Comment: In summary, the available evidence is currently insufficient to determine the role of this variant in disease. Therefore, it has been classified as a Variant of Uncertain Significance. Algorithms developed to predict the effect of missense changes on protein structure and function output the following: SIFT: "Tolerated"; PolyPhen-2: "Benign"; Align-GVGD: "Class C0". The aspartic acid amino acid residue is found in multiple mammalian species, which suggests that this missense change does not adversely affect protein function. This variant has not been reported in the literature in individuals affected with PDE6D-related conditions. This variant is present in population databases (rs775389135, gnomAD 0.003%). This sequence change replaces glutamic acid, which is acidic and polar, with aspartic acid, which is acidic and polar, at codon 10 of the PDE6D protein (p.Glu10Asp).

NM_002601.4(PDE6D):c.30G>C (p.Glu10Asp)

Genes: PDE6D (phosphodiesterase 6D; minus strand), LOC129935846 (ATAC-STARR-seq lymphoblastoid active region 17317; plus strand). Cytogenetic location: 2q37.1.
Variant type: single nucleotide variant.
Coding change: c.30G>C on transcript NM_002601.4 (MANE Select); coding-DNA position 30, G replaced by C.
Protein change: p.Glu10Asp; replaces glutamic acid 10 with aspartic acid.
Molecular consequence: missense variant. On other transcripts: non-coding transcript variant (1).
Genome position (GRCh38, 1-based): chr2:231,781,085, C>G on the plus strand (G>C on the coding strand, the complement: PDE6D is on the minus strand). VCF-style: chr2-231781085-C-G. GRCh37 (hg19) VCF-style: chr2-232645795-C-G.
Other names: c.30G>C, p.Glu10Asp (NM_001291018.2); short protein forms E10D.
Identifiers: ClinVar variation 2187766 (VCV002187766.4), dbSNP rs775389135, ClinGen allele CA2163301.